The following is an entry in ClinVar:

ClinVar aggregate classification (germline): Uncertain significance (1 of 4 stars; one submission).

Submission:

Labcorp Genetics (formerly Invitae), Labcorp
Classification: Uncertain significance. Last evaluated: 2023-02-28. Review status: criteria provided, single submitter. Criteria: Invitae Variant Classification Sherloc (09022015). Collection method: clinical testing. Allele origin: germline.
Comment: In summary, the available evidence is currently insufficient to determine the role of this variant in disease. Therefore, it has been classified as a Variant of Uncertain Significance. Advanced modeling of protein sequence and biophysical properties (such as structural, functional, and spatial information, amino acid conservation, physicochemical variation, residue mobility, and thermodynamic stability) performed at Invitae indicates that this missense variant is expected to disrupt SLC12A6 protein function. This variant has not been reported in the literature in individuals affected with SLC12A6-related conditions. This variant is not present in population databases (gnomAD no frequency). This sequence change replaces alanine, which is neutral and non-polar, with glycine, which is neutral and non-polar, at codon 889 of the SLC12A6 protein (p.Ala889Gly).

NM_001365088.1(SLC12A6):c.2666C>G (p.Ala889Gly)

Gene: SLC12A6 (solute carrier family 12 member 6; minus strand). Cytogenetic location: 15q14.
Variant type: single nucleotide variant.
Coding change: c.2666C>G on transcript NM_001365088.1 (MANE Select); coding-DNA position 2666, C replaced by G.
Protein change: p.Ala889Gly; replaces alanine 889 with glycine.
Molecular consequence: missense variant.
Genome position (GRCh38, 1-based): chr15:34,238,368, G>C on the plus strand (C>G on the coding strand, the complement: SLC12A6 is on the minus strand). VCF-style: chr15-34238368-G-C. GRCh37 (hg19) VCF-style: chr15-34530569-G-C.
Other names: c.2513C>G, p.Ala838Gly (NM_005135.2); c.2666C>G, p.Ala889Gly (NM_133647.2); c.2489C>G, p.Ala830Gly (NM_001042494.2, NM_001042495.2); c.2639C>G, p.Ala880Gly (NM_001042496.2); c.2621C>G, p.Ala874Gly (NM_001042497.2); short protein forms A889G, A830G, A838G, A880G, A874G.
Identifiers: ClinVar variation 2841495 (VCV002841495.3), dbSNP rs2509753499, ClinGen allele CA391619007.